The following is an entry in ClinVar:

ClinVar aggregate classification (germline): Likely pathogenic (1 of 4 stars; one submission).

Conditions:
Cardiovascular phenotype. Identifiers: MedGen CN230736.

Submission:

Ambry Genetics
Classification: Likely pathogenic for Cardiovascular phenotype. Last evaluated: 2025-02-21. Review status: criteria provided, single submitter. Criteria: Ambry Variant Classification Scheme 2023. Collection method: clinical testing. Allele origin: germline.
Comment: The p.E22590* variant (also known as c.67768G>T), located in coding exon 169 of the TTN gene, results from a G to T substitution at nucleotide position 67768. This changes the amino acid from a glutamic acid to a stop codon within coding exon 169. This exon is located in the A-band region of the N2-B isoform of the titin protein and is constitutively expressed in TTN transcripts (percent spliced in or PSI 100%). This variant is considered to be rare based on population cohorts in the Genome Aggregation Database (gnomAD). This variant is expected to result in loss of function by premature protein truncation or nonsense-mediated mRNA decay. While truncating variants in TTN are present in 1-3% of the general population, truncating variants in the A-band are the most common cause of dilated cardiomyopathy (Herman DS et al. N. Engl. J. Med., 2012 Feb;366:619-28; Roberts AM et al. Sci Transl Med, 2015 Jan;7:270ra6). TTN truncating variants encoded in constitutive exons (PSI >90%) have been found to be significantly associated with DCM regardless of their position in titin (Schafer S et al. Nat. Genet., 2017 01;49:46-53; Akhtar MM et al. Circ Heart Fail, 2020 Oct;13:e006832; Massier M et al. Clin Genet, 2025 Jan). Based on the majority of available evidence to date, this variant is likely to be pathogenic.

NM_001267550.2(TTN):c.94963G>T (p.Glu31655Ter)

Genes: TTN (titin; minus strand), TTN-AS1 (TTN antisense RNA 1; plus strand). Cytogenetic location: 2q31.2.
Variant type: single nucleotide variant.
Coding change: c.94963G>T on transcript NM_001267550.2 (MANE Select); coding-DNA position 94963, G replaced by T.
Protein change: p.Glu31655Ter; replaces glutamic acid 31655 with a stop codon.
Molecular consequence: nonsense.
Genome position (GRCh38, 1-based): chr2:178,546,368, C>A on the plus strand (G>T on the coding strand, the complement: TTN is on the minus strand). VCF-style: chr2-178546368-C-A. GRCh37 (hg19) VCF-style: chr2-179411095-C-A.
Other names: c.90040G>T, p.Glu30014Ter (NM_001256850.1); c.67768G>T, p.Glu22590Ter (NM_003319.4); c.87259G>T, p.Glu29087Ter (NM_133378.4); c.68143G>T, p.Glu22715Ter (NM_133432.3); c.68344G>T, p.Glu22782Ter (NM_133437.4); short protein forms E22715*, E31655*, E29087*, E22590*, E22782*, E30014*.
Identifiers: ClinVar variation 3812250 (VCV003812250.1).